The following is an entry in ClinVar:

ClinVar aggregate classification (germline): Benign. Review status: criteria provided, multiple submitters, no conflicts (2 of 4 stars). 3 submissions from 3 submitters: Benign (2). 1 of the submissions does not count toward it. Last evaluated 2026-01-27.

Allele frequency attached by ClinVar (database versions not stated): gnomAD exomes 0.00356 and 0.00877; gnomAD 0.02829 and 0.03053; TOPMed 0.03178; ExAC 0.00996; ESP Exome Variant Server 0.03160; 1000 Genomes Project 0.02835; 1000 Genomes Project 30x 0.02983.
gnomAD v4.1: 9,701 of 1,599,594 alleles (0.61%); highest among the groups gnomAD compares: African/African-American, 9.7%; 413 homozygotes.

Submissions (3):

Labcorp Genetics (formerly Invitae), Labcorp
Classification: Benign. Last evaluated: 2026-01-27. Review status: criteria provided, single submitter. Criteria: Invitae Variant Classification Sherloc (09022015). Collection method: clinical testing. Allele origin: germline.

Breakthrough Genomics
Classification: Benign. Review status: criteria provided, single submitter. Criteria: ACMG Guidelines, 2015. Collection method: not provided. Allele origin: germline. Inheritance: Autosomal recessive inheritance. Affected: yes.

Genetic Services Laboratory, University of Chicago
Classification: Likely benign for AllHighlyPenetrant. Review status: no assertion criteria provided. Collection method: clinical testing. Allele origin: germline. Inheritance: Autosomal recessive inheritance. Not counted in ClinVar's aggregate classification.
Comment: Likely benign based on allele frequency in 1000 Genomes Project or ESP global frequency and its presence in a patient with a rare or unrelated disease phenotype. NOT Sanger confirmed.

NM_020987.5(ANK3):c.909A>C (p.Thr303=)

Gene: ANK3 (ankyrin 3; minus strand). Cytogenetic location: 10q21.2.
Variant type: single nucleotide variant.
Coding change: c.909A>C on transcript NM_020987.5 (MANE Select); coding-DNA position 909, A replaced by C.
Protein change: p.Thr303=; no amino-acid change (threonine 303 retained).
Molecular consequence: synonymous variant.
Genome position (GRCh38, 1-based): chr10:60,213,499, T>G on the plus strand (A>C on the coding strand, the complement: ANK3 is on the minus strand). VCF-style: chr10-60213499-T-G. GRCh37 (hg19) VCF-style: chr10-61973257-T-G.
Other names: c.891A>C, p.Thr297= (NM_001204403.2); c.858A>C, p.Thr286= (NM_001204404.2); c.909A>C, p.Thr303= (NM_001320874.2).
Identifiers: ClinVar variation 128382 (VCV000128382.17), dbSNP rs73269474, ClinGen allele CA151812.